The following is an entry in ClinVar:

NM_152515.5(CKAP2L):c.77A>G (p.Lys26Arg)

Gene: CKAP2L (cytoskeleton associated protein 2L; minus strand). Cytogenetic location: 2q14.1.
Variant type: single nucleotide variant.
Coding change: c.77A>G on transcript NM_152515.5 (MANE Select); coding-DNA position 77, A replaced by G.
Protein change: p.Lys26Arg; replaces lysine 26 with arginine.
Molecular consequence: missense variant. On other transcripts: 5 prime UTR variant (1), non-coding transcript variant (1).
Genome position (GRCh38, 1-based): chr2:112,762,530, T>C on the plus strand (A>G on the coding strand, the complement: CKAP2L is on the minus strand). VCF-style: chr2-112762530-T-C. GRCh37 (hg19) VCF-style: chr2-113520107-T-C.
Other names: c.-360A>G (NM_001304361.2); short protein forms K26R.
Identifiers: ClinVar variation 421559 (VCV000421559.37), dbSNP rs35593767, ClinGen allele CA1836944.
Genomic context (GRCh38, chr2:112,762,530, plus strand): 5'-AAAACTTGCGTAACTGTGGACAGATAAACTCACTTGGTGTTTTGGCTCTTCAGTTTTCCC[T>C]TGGCTGCAAGGTACTCCTGAAGCTTTCTCTGCCGCTCTTCTGCAACACAGGCAAGCAAAC-3'
Protein context (NP_689728.3, residues 16-36): QRKLQEYLAA[Lys26Arg]GKLKSQNTKP

ClinVar aggregate classification (germline): Conflicting classifications of pathogenicity. Review status: criteria provided, conflicting classifications (1 of 4 stars). 4 submissions from 4 submitters: Uncertain significance (1); Benign (2); Likely benign (1). Last evaluated 2026-06-01.

Allele frequency attached by ClinVar (database versions not stated): gnomAD exomes 0.00039 and 0.00105; ExAC 0.00132; gnomAD 0.00311 and 0.00324; TOPMed 0.00354; ESP Exome Variant Server 0.00384; 1000 Genomes Project 0.00419; 1000 Genomes Project 30x 0.00422.

Submissions (4):

CeGaT Center for Human Genetics Tuebingen
Classification: Likely benign. Last evaluated: 2026-06-01. Review status: criteria provided, single submitter. Criteria: CeGaT Center For Human Genetics Tuebingen Variant Classification Criteria Version 2. Collection method: clinical testing. Allele origin: germline. Affected: yes. Observed: 5 variant alleles.
Comment: CKAP2L: BS1

Labcorp Genetics (formerly Invitae), Labcorp
Classification: Benign. Last evaluated: 2025-12-03. Review status: criteria provided, single submitter. Criteria: Invitae Variant Classification Sherloc (09022015). Collection method: clinical testing. Allele origin: germline.

Blueprint Genetics
Classification: Benign. Last evaluated: 2024-11-21. Review status: criteria provided, single submitter. Criteria: ACMG Guidelines, 2015. Collection method: clinical testing. Allele origin: germline.

GeneDx
Classification: Uncertain significance. Last evaluated: 2016-06-27. Review status: criteria provided, single submitter. Criteria: GeneDx Variant Classification (06012015). Collection method: clinical testing. Allele origin: germline. Affected: yes.
Comment: The K26R variant in the CKAP2L gene has not been reported previously as a pathogenic variant, noras a benign variant, to our knowledge. The NHLBI ESP Exome Sequencing Project reports that K26Rwas observed in 49/4406 alleles (1.11%) from individuals of African American ancestry, indicating itmay be a rare benign variant in this population. The variant was not present in the homozygous statewithin this population, though the 1000 Genomes Database reports K26R was observed once in thehomozygous state in approximately 600 individuals of African background (McVean et al., 2012). TheK26R variant is a conservative amino acid substitution, which is not likely to impact secondaryprotein structure as these residues share similar properties. However, this substitution occurs at aposition that is conserved in mammals, and in silico analysis predicts this variant is probably damagingto the protein structure/function.